The following is an entry in ClinVar:

ClinVar aggregate classification (germline): Uncertain significance. Review status: criteria provided, multiple submitters, no conflicts (2 of 4 stars). 2 submissions from 2 submitters: Uncertain significance (2). Last evaluated 2026-04-10.

Conditions:
Inborn genetic diseases. Identifiers: MedGen C0950123, MeSH D030342.

Allele frequency attached by ClinVar (database versions not stated): 1000 Genomes Project 0.00026; gnomAD exomes below 0.00001; TOPMed 0.00001; ExAC 0.00002; gnomAD 0.00002; 1000 Genomes Project 30x 0.00021.
gnomAD v4.1: 7 of 1,210,236 alleles (0.00058%); highest among the groups gnomAD compares: South Asian, 0.007%; no homozygotes.

Submissions (2):

Women's Health and Genetics/Laboratory Corporation of America, LabCorp
Classification: Uncertain significance. Last evaluated: 2026-04-10. Review status: criteria provided, single submitter. Criteria: LabCorp Variant Classification Summary - May 2015. Collection method: clinical testing. Allele origin: germline.
Comment: Variant summary: GPC4 c.275A>G (p.Asn92Ser) results in a conservative amino acid change in the encoded protein sequence. Algorithms developed to predict the effect of missense changes on protein structure and function are either unavailable or do not agree on the potential impact of this missense change. The variant allele was found at a frequency of 2.7e-05 in 183185 control chromosomes. The available data on variant occurrences in the general population are insufficient to allow any conclusion about variant significance. To our knowledge, no occurrence of c.275A>G in individuals affected with GPC4-related conditions and no experimental evidence demonstrating its impact on protein function have been reported. ClinVar contains an entry for this variant (Variation ID: 2216672). Based on the evidence outlined above, the variant was classified as uncertain significance.

Ambry Genetics
Classification: Uncertain significance for Inborn genetic diseases. Last evaluated: 2022-06-10. Review status: criteria provided, single submitter. Criteria: Ambry Variant Classification Scheme 2023. Collection method: clinical testing. Allele origin: germline.

NM_001448.3(GPC4):c.275A>G (p.Asn92Ser)

Gene: GPC4 (glypican 4; minus strand). Cytogenetic location: Xq26.2.
Variant type: single nucleotide variant.
Coding change: c.275A>G on transcript NM_001448.3 (MANE Select); coding-DNA position 275, A replaced by G.
Protein change: p.Asn92Ser; replaces asparagine 92 with serine.
Molecular consequence: missense variant.
Genome position (GRCh38, 1-based): chrX:133,339,227, T>C on the plus strand (A>G on the coding strand, the complement: GPC4 is on the minus strand). VCF-style: chrX-133339227-T-C. GRCh37 (hg19) VCF-style: chrX-132473255-T-C.
Other names: short protein forms N92S.
Identifiers: ClinVar variation 2216672 (VCV002216672.3), dbSNP rs759909433, ClinGen allele CA10520545.